The following is an entry in ClinVar:

ClinVar aggregate classification (germline): Pathogenic (1 of 4 stars; one submission).

Conditions:
Steroid-resistant nephrotic syndrome. Identifiers: MedGen C0403397, MONDO:0044765, HP:0012588.

gnomAD v4.1: 3 of 1,613,414 alleles (0.00019%); highest among the groups gnomAD compares: Non-Finnish European, 0.00025%; no homozygotes.

Submission:

Natera, Inc.
Classification: Pathogenic for Steroid-resistant nephrotic syndrome. Last evaluated: 2024-08-11. Review status: criteria provided, single submitter. Criteria: Natera Variant Classification Schema (03/2026). Collection method: clinical testing. Allele origin: germline.
Comment: The c.378+1G>T variant in NPHS2 is a canonical splice donor site variant predicted to affect pre-mRNA splicing, which may result in an abnormal transcript and altered protein product. This variant is expected to result in nonsense mediated decay, truncation, or a dysfunctional protein product. This variant is rare in the general population with a frequency below the threshold expected for the associated phenotype(s). Another variant at this same site results in an alteration predicted to cause a similar molecular effect has been observed in individual(s) with the associated phenotype. Given the available evidence, this variant is classified as Pathogenic.

NM_014625.4(NPHS2):c.378+1G>T

Gene: NPHS2 (NPHS2 stomatin family member, podocin; minus strand). Cytogenetic location: 1q25.2.
Variant type: single nucleotide variant.
Coding change: c.378+1G>T on transcript NM_014625.4 (MANE Select); the canonical splice donor site of the intron after coding-DNA position 378, G replaced by T.
Molecular consequence: splice donor variant.
Genome position (GRCh38, 1-based): chr1:179,564,689, C>A on the plus strand (G>T on the coding strand, the complement: NPHS2 is on the minus strand). VCF-style: chr1-179564689-C-A. GRCh37 (hg19) VCF-style: chr1-179533824-C-A.
Other names: c.378+1G>T (NM_001297575.2).
Identifiers: ClinVar variation 4815732 (VCV004815732.2).
Genomic context (GRCh38, chr1:179,564,689, plus strand): 5'-GCATGGTGTGGCCAGTGAGAGGCCTCAGGAAATTACCTATTGGGTCCTTATGGAATCTCA[C>A]CTTTACGCAGAACCAGATGGAAAAAGGGAAGGTCATGATGATGAAGAGCAGGGAAATGAG-3'